The following is an entry in ClinVar:

ClinVar aggregate classification (germline): Uncertain significance. Review status: criteria provided, multiple submitters, no conflicts (2 of 4 stars). 10 submissions from 10 submitters: Uncertain significance (8). 2 of the submissions do not count toward it. Last evaluated 2026-06-17.

Conditions:
CFTR-related disorder (CFTR-RD). Also called: CFTR-related condition; CFTR-related disorders. Identifiers: MedGen C5924204, MONDO:7770004.
Congenital bilateral aplasia of vas deferens from CFTR mutation (CBAVD). Identifiers: Orphanet 48, MedGen C0403814, MONDO:0010178, OMIM 277180. Disease mechanism: loss of function.
Cystic fibrosis (CF). Also called: MUCOVISCIDOSIS. Identifiers: Orphanet 586, MedGen C0010674, MONDO:0009061, OMIM 219700. Disease mechanism: loss of function.

Allele frequency attached by ClinVar (database versions not stated): gnomAD exomes 0.00001; ExAC 0.00002.
gnomAD v4.1: 17 of 1,606,068 alleles (0.0011%); highest among the groups gnomAD compares: Middle Eastern, 0.11%; no homozygotes.

Submissions (10):

Women's Health and Genetics/Laboratory Corporation of America, LabCorp
Classification: Uncertain significance. Last evaluated: 2026-06-17. Review status: criteria provided, single submitter. Criteria: LabCorp Variant Classification Summary - May 2015. Collection method: clinical testing. Allele origin: germline.
Comment: Variant summary: CFTR c.3935A>G (p.Asp1312Gly) results in a non-conservative amino acid change located in the AAA+ ATPase domain (IPR003593) of the encoded protein sequence. Algorithms developed to predict the effect of missense changes on protein structure and function all suggest that this variant is likely to be disruptive. The variant allele was found at a frequency of 8e-06 in 250476 control chromosomes. The available data on variant occurrences in the general population are insufficient to allow any conclusion about variant significance. c.3935A>G has been observed in individuals affected with pancreatic adenocarcinoma, pancreatic disease, congenital absence of the vas deferens (CAVD), neonatal respiratory distress, and in the setting of preimplantation genetic diagnosis (PGD) and newborn screening (NBS) without sufficient clinical information (Hamoir_2013, Ballard_2016, Destouni_2016, Bozdogan_2021, Pagin_2020, Tanriverdi_2021). These reports do not provide unequivocal conclusions about association of the variant with disease. At least one publication reports experimental evidence evaluating an impact on protein function. The most pronounced variant effect resulted in approximately 58% of normal chloride channel conductance relative to wild type (e.g., Bihler_2024). The following publications have been ascertained in the context of this evaluation (PMID: 25251442, 38388235, 33572515, 26493493, 23751316, 31845523, 26900683, 25735457, 36249513). ClinVar contains an entry for this variant (Variation ID: 53857). Based on the evidence outlined above, the variant was classified as uncertain significance.

Labcorp Genetics (formerly Invitae), Labcorp
Classification: Uncertain significance for Cystic fibrosis. Last evaluated: 2026-01-28. Review status: criteria provided, single submitter. Criteria: Invitae Variant Classification Sherloc (09022015). Collection method: clinical testing. Allele origin: germline.
Comment: This sequence change replaces aspartic acid, which is acidic and polar, with glycine, which is neutral and non-polar, at codon 1312 of the CFTR protein (p.Asp1312Gly). This variant is present in population databases (rs397508646, gnomAD 0.0009%). This missense change has been observed in individual(s) with CFTR-related conditions (PMID: 23751316, 26493493, 31845523, 33572515, 36249513). ClinVar contains an entry for this variant (Variation ID: 53857). Invitae Evidence Modeling of protein sequence and biophysical properties (such as structural, functional, and spatial information, amino acid conservation, physicochemical variation, residue mobility, and thermodynamic stability) indicates that this missense variant is expected to disrupt CFTR protein function with a positive predictive value of 80%. In summary, the available evidence is currently insufficient to determine the role of this variant in disease. Therefore, it has been classified as a Variant of Uncertain Significance.

PreventionGenetics, part of Exact Sciences
Classification: Uncertain significance for CFTR-related condition. Last evaluated: 2026-01-12. Review status: criteria provided, single submitter. Criteria: ACMG Guidelines, 2015. Collection method: clinical testing. Allele origin: germline.
Comment: The CFTR c.3935A>G variant is predicted to result in the amino acid substitution p.Asp1312Gly. This variant has been reported in the compound heterozygous state in two unrelated individuals with idiopathic pancreatitis (Hamoir et al. 2013. PubMed ID: 23751316; Table S1, Ballard et al. 2015. PubMed ID: 25251442). This variant was also described in a large cohort of individuals who tested positive for cystic fibrosis in a newborn screening program (Bozdogan et al. 2021. PubMed ID: 33572515) and in a cohort of neonates with respiratory distress (Tanriverdi et al. 2021. PubMed ID: 36249513). Lastly, this variant was described in a large cohort of individuals with congenital absence of vas deferens (Pagin et al. 2020. PubMed ID: 31845523). This variant is reported in 0.0018% of alleles in individuals of European (Non-Finnish) descent in gnomAD. At this time, the clinical significance of this variant is uncertain due to the absence of conclusive functional and genetic evidence.

Quest Diagnostics Nichols Institute San Juan Capistrano
Classification: Uncertain significance. Last evaluated: 2024-11-13. Review status: criteria provided, single submitter. Criteria: Quest Diagnostics criteria. Collection method: clinical testing. Allele origin: unknown.
Comment: The CFTR c.3935A>G (p.Asp1312Gly) variant has been reported in the published literature in individuals affected with clinical features of CF (PMIDs: 33572515 (2021), 36249513 (2021), Turkyilmaz and Yarali, Med Science 10(2):293 (2021), Canbek et al., Osmangazi Journal of Medicine 46(5):747 (2024)), pancreatitis/pancreatic cancer (PMIDs: 23751316 (2013), 25251442 (2015)), and infertility (PMID: 31845523 (2020)). One functional study observed the variant to have a baseline conductance of approximately 58% of the wild-type that was improved to approximately 99% with ELX/TEZ/IVA treatment (PMID: 38388235 (2024)). The frequency of this variant in the general population, 0.000008 (2/250476 chromosomes (Genome Aggregation Database)), is uninformative in the assessment of its pathogenicity. Based on the available information, we are unable to determine the clinical significance of this variant.

Ambry Genetics
Classification: Uncertain significance for Cystic fibrosis. Last evaluated: 2023-03-10. Review status: criteria provided, single submitter. Criteria: Ambry Variant Classification Scheme 2023. Collection method: clinical testing. Allele origin: germline.
Comment: The p.D1312G variant (also known as c.3935A>G), located in coding exon 24 of the CFTR gene, results from an A to G substitution at nucleotide position 3935. The aspartic acid at codon 1312 is replaced by glycine, an amino acid with similar properties. This alteration has been identified in multiple individuals diagnosed with pancreatitis (Hamoir C et al. Digestion, 2013 Jun;87:229-39; Ballard DD et al. Pancreas, 2015 Jan;44:116-21). This amino acid position is highly conserved in available vertebrate species. In addition, this alteration is predicted to be deleterious by in silico analysis. Since supporting evidence is limited at this time, the clinical significance of this alteration remains unclear.

Mayo Clinic Laboratories, Mayo Clinic
Classification: Uncertain significance. Last evaluated: 2022-05-13. Review status: criteria provided, single submitter. Criteria: ACMG Guidelines, 2015. Collection method: clinical testing. Allele origin: germline. Observed: 1 variant allele.
Comment: PP3, PM2

MGZ Medical Genetics Center
Classification: Uncertain significance for Congenital bilateral aplasia of vas deferens from CFTR mutation. Last evaluated: 2021-12-10. Review status: criteria provided, single submitter. Criteria: ACMG Guidelines, 2015. Collection method: clinical testing. Allele origin: germline. Affected: yes. Observed: 1 variant allele.
Comment: ACMG criteria applied: PS4_SUP, PM1_SUP, PM2_SUP, PP3

Genome-Nilou Lab
Classification: Uncertain significance for Cystic fibrosis. Last evaluated: 2021-09-05. Review status: criteria provided, single submitter. Criteria: ACMG Guidelines, 2015. Collection method: clinical testing. Allele origin: germline. Affected: no.

Natera, Inc.
Classification: Uncertain significance for CFTR-related disorders. Last evaluated: 2018-07-03. Review status: no assertion criteria provided. Collection method: clinical testing. Allele origin: germline. Not counted in ClinVar's aggregate classification.

Counsyl
Classification: Uncertain significance for Cystic fibrosis. Last evaluated: 2018-01-12. Review status: no assertion criteria provided. Collection method: clinical testing. Allele origin: unknown. Not counted in ClinVar's aggregate classification.

Literature cited by the submitters: PubMed 25251442 (cited by 3 submitters); PubMed 25735457 (cited by Women's Health and Genetics/Laboratory Corporation of America, LabCorp); PubMed 26900683 (cited by Women's Health and Genetics/Laboratory Corporation of America, LabCorp and Quest Diagnostics Nichols Institute San Juan Capistrano); PubMed 26493493 (cited by 3 submitters); PubMed 23751316 (cited by 5 submitters); PubMed 33572515 (cited by 3 submitters); PubMed 31845523 (cited by 3 submitters); PubMed 36249513 (cited by 3 submitters); PubMed 38388235 (cited by Women's Health and Genetics/Laboratory Corporation of America, LabCorp and Quest Diagnostics Nichols Institute San Juan Capistrano); PubMed 34426522 (cited by Quest Diagnostics Nichols Institute San Juan Capistrano); PubMed 38515211 (cited by Quest Diagnostics Nichols Institute San Juan Capistrano); PubMed 39412385 (cited by Quest Diagnostics Nichols Institute San Juan Capistrano).

NM_000492.4(CFTR):c.3935A>G (p.Asp1312Gly)

Gene: CFTR (CF transmembrane conductance regulator; plus strand). Cytogenetic location: 7q31.2.
Variant type: single nucleotide variant.
Coding change: c.3935A>G on transcript NM_000492.4 (MANE Select); coding-DNA position 3935, A replaced by G.
Protein change: p.Asp1312Gly; replaces aspartic acid 1312 with glycine.
Molecular consequence: missense variant.
Genome position (GRCh38, 1-based): chr7:117,652,903, A>G. VCF-style: chr7-117652903-A-G. GRCh37 (hg19) VCF-style: chr7-117292957-A-G.
Other names: short protein forms D1312G.
Identifiers: ClinVar variation 53857 (VCV000053857.21), dbSNP rs397508646, ClinGen allele CA327355.